The following is an entry in ClinVar:

NM_001849.4(COL6A2):c.2331C>T (p.Cys777=)

Gene: COL6A2 (collagen type VI alpha 2 chain; plus strand). Cytogenetic location: 21q22.3.
Variant type: single nucleotide variant.
Coding change: c.2331C>T on transcript NM_001849.4 (MANE Select); coding-DNA position 2331, C replaced by T.
Protein change: p.Cys777=; no amino-acid change (cysteine 777 retained).
Molecular consequence: synonymous variant.
Genome position (GRCh38, 1-based): chr21:46,126,146, C>T. VCF-style: chr21-46126146-C-T. GRCh37 (hg19) VCF-style: chr21-47546060-C-T.
Other names: c.2331C>T, p.Cys777= (NM_058174.3, NM_058175.3).
Identifiers: ClinVar variation 340375 (VCV000340375.52), dbSNP rs181711180, ClinGen allele CA10072522.
Genomic context (GRCh38, chr21:46,126,146, plus strand): 5'-CGGCATCGGGGACATGTTCCACGAGAAGCACGAGAGTGAAAACCTCTACTCCATCGCCTG[C>T]GACAAGCCACAGCAGGTGCGCAACATGACGCTGTTCTCCGACCTGGTCGCTGAGAAGTTC-3'
Protein context (NP_001840.3, residues 767-787): HESENLYSIA[Cys777=]DKPQQVRNMT

ClinVar aggregate classification (germline): Benign/Likely benign. Review status: criteria provided, multiple submitters, no conflicts (2 of 4 stars). 10 submissions from 10 submitters: Benign (3); Likely benign (3). 4 of the submissions do not count toward it. Last evaluated 2025-12-10.

Conditions:
COL6A2-related disorder.
Collagen 6-related myopathy. Identifiers: MedGen CN117976, MONDO:0100225.
Bethlem myopathy 1A. Also called: Bethlem myopathy 1; Bethlem Muscular Dystrophy; MYOPATHY, BENIGN CONGENITAL, WITH CONTRACTURES. Identifiers: Orphanet 610, MedGen CN029274, MONDO:0024530, OMIM 158810.

Allele frequency attached by ClinVar (database versions not stated): gnomAD 0.00015 and 0.00025; gnomAD exomes 0.00017 and 0.00041; TOPMed 0.00024; 1000 Genomes Project 30x 0.00047; ExAC 0.00047; 1000 Genomes Project 0.00060.

Submissions (10):

Labcorp Genetics (formerly Invitae), Labcorp
Classification: Benign for Bethlem myopathy 1A. Last evaluated: 2025-12-10. Review status: criteria provided, single submitter. Criteria: Invitae Variant Classification Sherloc (09022015). Collection method: clinical testing. Allele origin: germline.

Blueprint Genetics
Classification: Likely benign. Last evaluated: 2024-09-23. Review status: criteria provided, single submitter. Criteria: ACMG Guidelines, 2015. Collection method: clinical testing. Allele origin: germline.

CeGaT Center for Human Genetics Tuebingen
Classification: Likely benign. Last evaluated: 2022-12-01. Review status: criteria provided, single submitter. Criteria: CeGaT Center For Human Genetics Tuebingen Variant Classification Criteria Version 2. Collection method: clinical testing. Allele origin: germline. Affected: yes. Observed: 1 variant allele.
Comment: COL6A2: BP4, BP7, BS2

GeneDx
Classification: Likely benign. Last evaluated: 2019-11-15. Review status: criteria provided, single submitter. Criteria: GeneDx Variant Classification Process June 2021. Collection method: clinical testing. Allele origin: germline. Affected: yes.

Illumina Laboratory Services, Illumina
Classification: Benign for Collagen VI-related myopathy. Last evaluated: 2018-01-13. Review status: criteria provided, single submitter. Criteria: ICSL Variant Classification Criteria 13 December 2019. Collection method: clinical testing. Allele origin: germline.
Comment: This variant was observed in the ICSL laboratory as part of a predisposition screen in an ostensibly healthy population. It had not been previously curated by ICSL or reported in the Human Gene Mutation Database (HGMD: prior to June 1st, 2018), and was therefore a candidate for classification through an automated scoring system. Utilizing variant allele frequency, disease prevalence and penetrance estimates, and inheritance mode, an automated score was calculated to assess if this variant is too frequent to cause the disease. Based on the score and internal cut-off values, a variant classified as benign is not then subjected to further curation. The score for this variant resulted in a classification of benign for this disease.

Eurofins Ntd Llc (ga)
Classification: Benign. Last evaluated: 2016-12-08. Review status: criteria provided, single submitter. Criteria: EGL Classification Definitions 2015. Collection method: clinical testing. Allele origin: germline. Observed: 1 variant allele, 1 heterozygote.

PreventionGenetics, part of Exact Sciences
Classification: Likely benign for COL6A2-related condition. Last evaluated: 2022-09-20. Review status: no assertion criteria provided. Collection method: clinical testing. Allele origin: germline. Not counted in ClinVar's aggregate classification.
Comment: This variant is classified as likely benign based on ACMG/AMP sequence variant interpretation guidelines (Richards et al. 2015 PMID: 25741868, with internal and published modifications).

Genome Diagnostics Laboratory, University Medical Center Utrecht
Classification: Likely benign. Review status: no assertion criteria provided. Collection method: clinical testing. Allele origin: germline. Affected: yes. Study: VKGL Data-share Consensus. Not counted in ClinVar's aggregate classification.

Joint Genome Diagnostic Labs from Nijmegen and Maastricht, Radboudumc and MUMC+
Classification: Benign. Review status: no assertion criteria provided. Collection method: clinical testing. Allele origin: germline. Affected: yes. Study: VKGL Data-share Consensus. Not counted in ClinVar's aggregate classification.

Laboratory of Diagnostic Genome Analysis, Leiden University Medical Center (LUMC)
Classification: Likely benign. Review status: no assertion criteria provided. Collection method: clinical testing. Allele origin: germline. Affected: yes. Study: VKGL Data-share Consensus. Not counted in ClinVar's aggregate classification.